The following is an entry in ClinVar:

ClinVar aggregate classification (germline): Uncertain significance (1 of 4 stars; one submission).

Conditions:
Charcot-Marie-Tooth disease type 4. Also called: Charcot-Marie-Tooth, Type 4; Charcot-Marie-Tooth disease, type IV. Identifiers: Orphanet 64749, MedGen C4082197, MONDO:0018995.

Allele frequency attached by ClinVar (database versions not stated): gnomAD exomes below 0.00001.
gnomAD v4.1: 2 of 1,613,220 alleles (0.00012%); highest among the groups gnomAD compares: Middle Eastern, 0.017%; no homozygotes.

Submission:

Labcorp Genetics (formerly Invitae), Labcorp
Classification: Uncertain significance for Charcot-Marie-Tooth disease type 4. Last evaluated: 2018-01-17. Review status: criteria provided, single submitter. Criteria: Invitae Variant Classification Sherloc (09022015). Collection method: clinical testing. Allele origin: germline.
Comment: In summary, the available evidence is currently insufficient to determine the role of this variant in disease. Therefore, it has been classified as a Variant of Uncertain Significance. Algorithms developed to predict the effect of missense changes on protein structure and function do not agree on the potential impact of this missense change (SIFT: "Deleterious"; PolyPhen-2: "Possibly Damaging"; Align-GVGD: "Class C0"). This variant has not been reported in the literature in individuals with FIG4-related disease. This variant is not present in population databases (ExAC no frequency). This sequence change replaces valine with phenylalanine at codon 269 of the FIG4 protein (p.Val269Phe). The valine residue is moderately conserved and there is a small physicochemical difference between valine and phenylalanine.

NM_014845.6(FIG4):c.805G>T (p.Val269Phe)

Gene: FIG4 (FIG4 phosphoinositide 5-phosphatase; plus strand). Cytogenetic location: 6q21.
Variant type: single nucleotide variant.
Coding change: c.805G>T on transcript NM_014845.6 (MANE Select); coding-DNA position 805, G replaced by T.
Protein change: p.Val269Phe; replaces valine 269 with phenylalanine.
Molecular consequence: missense variant.
Genome position (GRCh38, 1-based): chr6:109,741,473, G>T. VCF-style: chr6-109741473-G-T. GRCh37 (hg19) VCF-style: chr6-110062676-G-T.
Other names: short protein forms V269F.
Identifiers: ClinVar variation 568647 (VCV000568647.8), dbSNP rs1474263523, ClinGen allele CA365220852.